The following is an entry in ClinVar:

NC_000003.11:g.(?_154801957)_(154898248_?)del

Gene: MME (membrane metalloendopeptidase; plus strand). Cytogenetic location: 3q25.2.
Variant type: Deletion.
Identifiers: ClinVar variation 2425709 (VCV002425709.4).

ClinVar aggregate classification (germline): Pathogenic (1 of 4 stars; one submission).

Submission:

Labcorp Genetics (formerly Invitae), Labcorp
Classification: Pathogenic. Last evaluated: 2023-12-09. Review status: criteria provided, single submitter. Criteria: Invitae Variant Classification Sherloc (09022015). Collection method: clinical testing. Allele origin: germline.
Comment: A gross deletion of the genomic region encompassing the full coding sequence of the MME gene has been identified. Loss-of-function variants in MME are known to be pathogenic (PMID: 26991897). The boundaries of this event are unknown as they extend beyond the assayed region for this gene and therefore may encompass additional genes. This variant has not been reported in the literature in individuals affected with MME-related conditions. For these reasons, this variant has been classified as Pathogenic.

Literature cited by the submitters: PubMed 26991897.